The following is an entry in ClinVar:

NM_001197104.2(KMT2A):c.10181G>A (p.Gly3394Glu)

Gene: KMT2A (lysine methyltransferase 2A; plus strand). Cytogenetic location: 11q23.3.
Variant type: single nucleotide variant.
Coding change: c.10181G>A on transcript NM_001197104.2 (MANE Select); coding-DNA position 10181, G replaced by A.
Protein change: p.Gly3394Glu; replaces glycine 3394 with glutamic acid.
Molecular consequence: missense variant.
Genome position (GRCh38, 1-based): chr11:118,506,073, G>A. VCF-style: chr11-118506073-G-A. GRCh37 (hg19) VCF-style: chr11-118376788-G-A.
Other names: c.10271G>A, p.Gly3424Glu (NM_001412597.1); c.10172G>A, p.Gly3391Glu (NM_005933.4); short protein forms G3391E, G3394E, G3424E.
Identifiers: ClinVar variation 2642434 (VCV002642434.27), dbSNP rs782460936, ClinGen allele CA6304695.

ClinVar aggregate classification (germline): Conflicting classifications of pathogenicity. Review status: criteria provided, conflicting classifications (1 of 4 stars). 3 submissions from 3 submitters: Uncertain significance (1); Benign (1); Likely benign (1). Last evaluated 2025-02-16.

Allele frequency attached by ClinVar (database versions not stated): ExAC 0.00002; gnomAD 0.00002; TOPMed 0.00002.
gnomAD v4.1: 46 of 1,614,020 alleles (0.0029%); highest among the groups gnomAD compares: African/African-American, 0.004%; no homozygotes.

Submissions (3):

Laboratory of Genetics, Children's Clinical University Hospital Latvia
Classification: Benign. Last evaluated: 2025-02-16. Review status: criteria provided, single submitter. Criteria: ACMG Guidelines, 2015. Collection method: clinical testing. Allele origin: germline. Affected: yes.

Labcorp Genetics (formerly Invitae), Labcorp
Classification: Uncertain significance. Last evaluated: 2024-01-18. Review status: criteria provided, single submitter. Criteria: Invitae Variant Classification Sherloc (09022015). Collection method: clinical testing. Allele origin: germline.
Comment: This sequence change replaces glycine, which is neutral and non-polar, with glutamic acid, which is acidic and polar, at codon 3394 of the KMT2A protein (p.Gly3394Glu). This variant is present in population databases (rs782460936, gnomAD 0.02%). This variant has not been reported in the literature in individuals affected with KMT2A-related conditions. ClinVar contains an entry for this variant (Variation ID: 2642434). Advanced modeling of protein sequence and biophysical properties (such as structural, functional, and spatial information, amino acid conservation, physicochemical variation, residue mobility, and thermodynamic stability) has been performed at Invitae for this missense variant, however the output from this modeling did not meet the statistical confidence thresholds required to predict the impact of this variant on KMT2A protein function. In summary, the available evidence is currently insufficient to determine the role of this variant in disease. Therefore, it has been classified as a Variant of Uncertain Significance.

CeGaT Center for Human Genetics Tuebingen
Classification: Likely benign. Last evaluated: 2023-10-01. Review status: criteria provided, single submitter. Criteria: CeGaT Center For Human Genetics Tuebingen Variant Classification Criteria Version 2. Collection method: clinical testing. Allele origin: germline. Affected: yes. Observed: 1 variant allele.
Comment: KMT2A: BP1, BS2